The following is an entry in ClinVar:

NM_004183.4(BEST1):c.436_437delinsAA (p.Ala146Lys)

Gene: BEST1 (bestrophin 1; plus strand). Cytogenetic location: 11q12.3.
Variant type: Indel.
Coding change: c.436_437delinsAA on transcript NM_004183.4 (MANE Select); coding-DNA positions 436 to 437, GC replaced by AA.
Protein change: p.Ala146Lys; replaces alanine 146 with lysine.
Molecular consequence: missense variant. On other transcripts: non-coding transcript variant (1).
Genome position (GRCh38, 1-based): chr11:61,955,906-61,955,907, GC replaced by AA. VCF-style: chr11-61955906-GC-AA. GRCh37 (hg19) VCF-style: chr11-61723378-GC-AA.
Other names: c.256_257delGCinsAA, p.Ala86Lys (NM_001139443.3); c.256_257delinsAA, p.Ala86Lys (NM_001300786.2, NM_001300787.2); c.118_119delGCinsAA, p.Ala40Lys (NM_001363591.3); c.436_437delGCinsAA, p.Ala146Lys (NM_001363592.2); c.-740_-739delGCinsAA (NM_001363593.3); short protein forms A146K, A86K, A40K.
Identifiers: ClinVar variation 2736 (VCV000002736.12), dbSNP rs1800995, ClinGen allele CA227780.

ClinVar aggregate classification (germline): Pathogenic/Likely pathogenic. Review status: criteria provided, multiple submitters, no conflicts (2 of 4 stars). 5 submissions from 5 submitters: Pathogenic (1); Likely pathogenic (2). 2 of the submissions do not count toward it. Last evaluated 2025-12-01.

Conditions:
BEST1-related disorder. Also called: BEST1-related condition; BEST1-related disorders. Identifiers: MedGen CN239200.
Vitelliform macular dystrophy 2. Also called: Best Macular Dystrophy; Best Vitelliform Macular Dystrophy (BVMD); Best vitelliform macular dystrophy, multifocal; VITELLIFORM MACULAR DYSTROPHY, EARLY-ONSET; VITELLIFORM MACULAR DYSTROPHY, JUVENILE-ONSET; MACULAR DEGENERATION, POLYMORPHIC VITELLINE. Identifiers: Orphanet 1243, MedGen C2745945, MONDO:0007931, OMIM 153700.

Submissions (5):

Labcorp Genetics (formerly Invitae), Labcorp
Classification: Pathogenic. Last evaluated: 2025-12-01. Review status: criteria provided, single submitter. Criteria: Invitae Variant Classification Sherloc (09022015). Collection method: clinical testing. Allele origin: germline.
Comment: This sequence change replaces alanine, which is neutral and non-polar, with lysine, which is basic and polar, at codon 146 of the BEST1 protein (p.Ala146Lys). This variant is present in population databases (rs1800995, gnomAD 0.0007%). This missense change has been observed in individuals with autosomal dominant Best disease (PMID: 10453731, 10737974, 11713080, 23139242). ClinVar contains an entry for this variant (Variation ID: 2736). An algorithm developed to predict the effect of missense changes on protein structure and function (PolyPhen-2) suggests that this variant is likely to be disruptive. Experimental studies have shown that this missense change affects BEST1 function (PMID: 17898294, 23139242). For these reasons, this variant has been classified as Pathogenic.

GeneDx
Classification: Likely pathogenic. Last evaluated: 2025-06-20. Review status: criteria provided, single submitter. Criteria: GeneDx Variant Classification Process June 2021. Collection method: clinical testing. Allele origin: germline. Affected: yes.
Comment: Published functional studies demonstrate a damaging effect and showed reduced inhibitory effect on Ca2+ current, a moderate effect on Cl- channel activity and altered permeability (PMID: 17898294, 18509027, 23139242, 32707085); In silico analysis supports a deleterious effect on protein structure/function; Not observed at significant frequency in large population cohorts (gnomAD); This variant is associated with the following publications: (PMID: 18509027, 10453731, 32707085, 26300224, 24560797, 17898294, 23139242, 11713080)

Blueprint Genetics
Classification: Likely pathogenic for BEST1-related disorders. Last evaluated: 2023-02-20. Review status: criteria provided, single submitter. Criteria: ACMG Guidelines, 2015. Collection method: clinical testing. Allele origin: germline. Affected: yes. Observed: 2 variant alleles.

OMIM
Classification: Pathogenic for MACULAR DYSTROPHY, VITELLIFORM, 2. Last evaluated: 1999-06-01. Review status: no assertion criteria provided. Collection method: literature only. Allele origin: germline. Not counted in ClinVar's aggregate classification.

Retina International
No classification provided. Review status: no classification provided. Collection method: not provided. Allele origin: not provided. Not counted in ClinVar's aggregate classification.

Literature cited by the submitters: PubMed 10453731 (cited by Labcorp Genetics (formerly Invitae), Labcorp and OMIM); PubMed 10737974 (cited by Labcorp Genetics (formerly Invitae), Labcorp); PubMed 11713080 (cited by Labcorp Genetics (formerly Invitae), Labcorp); PubMed 23139242 (cited by Labcorp Genetics (formerly Invitae), Labcorp); PubMed 17898294 (cited by Labcorp Genetics (formerly Invitae), Labcorp).